The following is an entry in ClinVar:

NM_000278.5(PAX2):c.448A>G (p.Thr150Ala)

Gene: PAX2 (paired box 2; plus strand). Cytogenetic location: 10q24.31.
Variant type: single nucleotide variant.
Coding change: c.448A>G on transcript NM_000278.5 (MANE Select); coding-DNA position 448, A replaced by G.
Protein change: p.Thr150Ala; replaces threonine 150 with alanine.
Molecular consequence: missense variant.
Genome position (GRCh38, 1-based): chr10:100,779,535, A>G. VCF-style: chr10-100779535-A-G. GRCh37 (hg19) VCF-style: chr10-102539292-A-G.
Other names: c.448A>G, p.Thr150Ala (NM_003990.5, NM_003987.5, NM_003988.5 and 1 more transcripts); c.541A>G, p.Thr181Ala (NM_001304569.2); short protein forms T181A, T150A.
Identifiers: ClinVar variation 4787556 (VCV004787556.1).

ClinVar aggregate classification (germline): Uncertain significance (1 of 4 stars; one submission).

Conditions:
Focal segmental glomerulosclerosis 7 (FSGS7). Identifiers: Orphanet 656, MedGen C4014925, MONDO:0014451, OMIM 616002.
Renal coloboma syndrome (PAPRS). Also called: PAPILLORENAL SYNDROME; COLOBOMA OF OPTIC NERVE WITH RENAL DISEASE; OPTIC COLOBOMA, VESICOURETERAL REFLUX, AND RENAL ANOMALIES; OPTIC NERVE COLOBOMA WITH RENAL DISEASE; RENAL-COLOBOMA SYNDROME WITH MACULAR ABNORMALITIES; PAPILLORENAL SYNDROME WITH MILD OCULAR ABNORMALITIES. Identifiers: Orphanet 1475, MedGen C1852759, MONDO:0007352, OMIM 120330.

gnomAD v4.1: 3 of 1,597,660 alleles (0.00019%); highest among the groups gnomAD compares: South Asian, 0.0011%; no homozygotes.

Submission:

Labcorp Genetics (formerly Invitae), Labcorp
Classification: Uncertain significance for Renal coloboma syndrome; Focal segmental glomerulosclerosis 7. Last evaluated: 2025-08-31. Review status: criteria provided, single submitter. Criteria: Invitae Variant Classification Sherloc (09022015). Collection method: clinical testing. Allele origin: germline.
Comment: This sequence change replaces threonine, which is neutral and polar, with alanine, which is neutral and non-polar, at codon 150 of the PAX2 protein (p.Thr150Ala). This variant is not present in population databases (gnomAD no frequency). This missense change has been observed in individual(s) with focal segmental glomerulosclerosis (PMID: 24676634). An algorithm developed to predict the effect of missense changes on protein structure and function (PolyPhen-2) suggests that this variant is likely to be tolerated. In summary, the available evidence is currently insufficient to determine the role of this variant in disease. Therefore, it has been classified as a Variant of Uncertain Significance.

Literature cited by the submitters: PubMed 24676634.